The following is an entry in ClinVar:

ClinVar aggregate classification (germline): Uncertain significance (1 of 4 stars; one submission).

Conditions:
Nemaline myopathy 2 (NEM2). Also called: Nemaline myopathy 2, autosomal recessive. Identifiers: MedGen C1850569, MONDO:0009725, OMIM 256030.

Submission:

Labcorp Genetics (formerly Invitae), Labcorp
Classification: Uncertain significance for Nemaline myopathy 2. Last evaluated: 2021-10-18. Review status: criteria provided, single submitter. Criteria: Invitae Variant Classification Sherloc (09022015). Collection method: clinical testing. Allele origin: germline.
Comment: This sequence change falls in intron 79 of the NEB gene. It does not directly change the encoded amino acid sequence of the NEB protein. This variant is not present in population databases (ExAC no frequency). This variant has not been reported in the literature in individuals affected with NEB-related conditions. Algorithms developed to predict the effect of sequence changes on RNA splicing suggest that this variant may create or strengthen a splice site. In summary, the available evidence is currently insufficient to determine the role of this variant in disease. Therefore, it has been classified as a Variant of Uncertain Significance.

NM_001164508.2(NEB):c.11911-12T>G

Gene: NEB (nebulin; minus strand). Cytogenetic location: 2q23.3.
Variant type: single nucleotide variant.
Coding change: c.11911-12T>G on transcript NM_001164508.2 (MANE Select); 12 bases into the intron before coding-DNA position 11911, T replaced by G.
Molecular consequence: intron variant.
Genome position (GRCh38, 1-based): chr2:151,610,635, A>C on the plus strand (T>G on the coding strand, the complement: NEB is on the minus strand). VCF-style: chr2-151610635-A-C. GRCh37 (hg19) VCF-style: chr2-152467149-A-C.
Other names: c.11182-12T>G (NM_004543.5); c.11911-12T>G (NM_001164507.2, NM_001271208.2).
Identifiers: ClinVar variation 1416884 (VCV001416884.6), dbSNP rs2153974946, ClinGen allele CA2573133412.